The following is an entry in ClinVar:

NM_018062.4(FANCL):c.810C>A (p.Asn270Lys)

Gene: FANCL (FA complementation group L; minus strand). Cytogenetic location: 2p16.1.
Variant type: single nucleotide variant.
Coding change: c.810C>A on transcript NM_018062.4 (MANE Select); coding-DNA position 810, C replaced by A.
Protein change: p.Asn270Lys; replaces asparagine 270 with lysine.
Molecular consequence: missense variant.
Genome position (GRCh38, 1-based): chr2:58,163,040, G>T on the plus strand (C>A on the coding strand, the complement: FANCL is on the minus strand). VCF-style: chr2-58163040-G-T. GRCh37 (hg19) VCF-style: chr2-58390175-G-T.
Other names: c.825C>A, p.Asn275Lys (NM_001114636.2); c.855C>A, p.Asn285Lys (NM_001374615.1); c.870C>A, p.Asn290Lys (NM_001410792.1); short protein forms N275K, N270K, N285K, N290K.
Identifiers: ClinVar variation 1503324 (VCV001503324.7), dbSNP rs750050199, ClinGen allele CA1670439.

ClinVar aggregate classification (germline): Uncertain significance (1 of 4 stars; one submission).

Conditions:
Fanconi anemia (FA). Also called: Fanconi's anemia. Identifiers: Orphanet 84, MedGen C0015625, MeSH D005199, MONDO:0019391.

Allele frequency attached by ClinVar (database versions not stated): gnomAD 0.00002; gnomAD exomes 0.00002 and 0.00003; ExAC 0.00005.
gnomAD v4.1: 30 of 1,612,232 alleles (0.0019%); highest among the groups gnomAD compares: African/African-American, 0.0027%; no homozygotes.

Submission:

Labcorp Genetics (formerly Invitae), Labcorp
Classification: Uncertain significance for Fanconi anemia. Last evaluated: 2025-01-27. Review status: criteria provided, single submitter. Criteria: Invitae Variant Classification Sherloc (09022015). Collection method: clinical testing. Allele origin: germline.
Comment: This sequence change replaces asparagine, which is neutral and polar, with lysine, which is basic and polar, at codon 270 of the FANCL protein (p.Asn270Lys). This variant is present in population databases (rs750050199, gnomAD 0.005%). This variant has not been reported in the literature in individuals affected with FANCL-related conditions. ClinVar contains an entry for this variant (Variation ID: 1503324). Invitae Evidence Modeling of protein sequence and biophysical properties (such as structural, functional, and spatial information, amino acid conservation, physicochemical variation, residue mobility, and thermodynamic stability) indicates that this missense variant is not expected to disrupt FANCL protein function with a negative predictive value of 80%. Experimental studies have shown that this missense change affects FANCL function (PMID: 32420600). In summary, the available evidence is currently insufficient to determine the role of this variant in disease. Therefore, it has been classified as a Variant of Uncertain Significance.

Literature cited by the submitters: PubMed 32420600.